The following is an entry in ClinVar:

ClinVar aggregate classification (germline): Uncertain significance (1 of 4 stars; one submission).

Conditions:
Autoimmune lymphoproliferative syndrome, type III caused by mutation in PRKCD. Identifiers: Orphanet 3261, Orphanet 664711, MedGen C3809928, MONDO:8000024, OMIM 615559.

gnomAD v4.1: 1 of 1,613,168 alleles (0.000062%); highest among the groups gnomAD compares: Non-Finnish European, 0.000085%; no homozygotes.

Submission:

Labcorp Genetics (formerly Invitae), Labcorp
Classification: Uncertain significance for Autoimmune lymphoproliferative syndrome, type III. Last evaluated: 2019-04-24. Review status: criteria provided, single submitter. Criteria: Invitae Variant Classification Sherloc (09022015). Collection method: clinical testing. Allele origin: germline.
Comment: This sequence change replaces glycine with arginine at codon 432 of the PRKCD protein (p.Gly432Arg). The glycine residue is highly conserved and there is a moderate physicochemical difference between glycine and arginine. This variant is not present in population databases (ExAC no frequency). This variant has not been reported in the literature in individuals with PRKCD-related conditions. Algorithms developed to predict the effect of missense changes on protein structure and function are either unavailable or do not agree on the potential impact of this missense change (SIFT: "Deleterious"; PolyPhen-2: "Probably Damaging"; Align-GVGD: "Class C15"). Algorithms developed to predict the effect of sequence changes on RNA splicing suggest that this variant may create or strengthen a splice site, but this prediction has not been confirmed by published transcriptional studies. This variant disrupts the p.Gly432 amino acid residue in PRKCD. Other variant(s) that disrupt this residue have been determined to be pathogenic (PMID: 30257684). This suggests that this residue is clinically significant, and that variants that disrupt this residue may be disease-causing. In summary, the available evidence is currently insufficient to determine the role of this variant in disease. Therefore, it has been classified as a Variant of Uncertain Significance.

Literature cited by the submitters: PubMed 30257684.

NM_006254.4(PRKCD):c.1294G>A (p.Gly432Arg)

Gene: PRKCD (protein kinase C delta; plus strand). Cytogenetic location: 3p21.1.
Variant type: single nucleotide variant.
Coding change: c.1294G>A on transcript NM_006254.4 (MANE Select); coding-DNA position 1294, G replaced by A.
Protein change: p.Gly432Arg; replaces glycine 432 with arginine.
Molecular consequence: missense variant.
Genome position (GRCh38, 1-based): chr3:53,186,637, G>A. VCF-style: chr3-53186637-G-A. GRCh37 (hg19) VCF-style: chr3-53220653-G-A.
Other names: c.1294G>A, p.Gly432Arg (NM_001316327.2, NM_001354679.2, NM_001354680.2 and 1 more transcripts); c.1351G>A, p.Gly451Arg (NM_001354676.2); c.1342G>A, p.Gly448Arg (NM_001354678.2); short protein forms G432R, G448R, G451R.
Identifiers: ClinVar variation 845822 (VCV000845822.1), dbSNP rs1190070838, ClinGen allele CA353222307.